The following is an entry in ClinVar:

NM_015102.5(NPHP4):c.4024G>A (p.Glu1342Lys)

Gene: NPHP4 (nephrocystin 4; minus strand). Cytogenetic location: 1p36.31.
Variant type: single nucleotide variant.
Coding change: c.4024G>A on transcript NM_015102.5 (MANE Select); coding-DNA position 4024, G replaced by A.
Protein change: p.Glu1342Lys; replaces glutamic acid 1342 with lysine.
Molecular consequence: missense variant. On other transcripts: non-coding transcript variant (1).
Genome position (GRCh38, 1-based): chr1:5,864,006, C>T on the plus strand (G>A on the coding strand, the complement: NPHP4 is on the minus strand). VCF-style: chr1-5864006-C-T. GRCh37 (hg19) VCF-style: chr1-5924066-C-T.
Other names: c.2485G>A, p.Glu829Lys (NM_001291593.2); c.2488G>A, p.Glu830Lys (NM_001291594.2); short protein forms E830K, E829K, E1342K.
Identifiers: ClinVar variation 1986817 (VCV001986817.5), dbSNP rs769051741, ClinGen allele CA338049205.

ClinVar aggregate classification (germline): Uncertain significance. Review status: criteria provided, multiple submitters, no conflicts (2 of 4 stars). 2 submissions from 2 submitters: Uncertain significance (2). Last evaluated 2024-04-04.

Conditions:
Nephronophthisis. Also called: Juvenile Nephronophthisis. Identifiers: Orphanet 655, MedGen C0687120, MONDO:0019005, HP:0000090.
Senior-Loken syndrome 4 (SLSN4). Identifiers: Orphanet 3156, MedGen C1846979, MONDO:0011756, OMIM 606996.
Nephronophthisis 4 (NPHP4). Also called: NEPHRONOPHTHISIS 4, JUVENILE. Identifiers: Orphanet 655, MedGen C1847013, MONDO:0011752, OMIM 606966.

gnomAD v4.1: 4 of 1,613,540 alleles (0.00025%); highest among the groups gnomAD compares: East Asian, 0.0022%; no homozygotes.

Submissions (2):

Fulgent Genetics
Classification: Uncertain significance for Nephronophthisis 4; Senior-Loken syndrome 4. Last evaluated: 2024-04-04. Review status: criteria provided, single submitter. Criteria: ACMG Guidelines, 2015. Collection method: clinical testing. Allele origin: germline.

Labcorp Genetics (formerly Invitae), Labcorp
Classification: Uncertain significance for Nephronophthisis. Last evaluated: 2022-07-09. Review status: criteria provided, single submitter. Criteria: Invitae Variant Classification Sherloc (09022015). Collection method: clinical testing. Allele origin: germline.
Comment: This sequence change replaces glutamic acid, which is acidic and polar, with lysine, which is basic and polar, at codon 1342 of the NPHP4 protein (p.Glu1342Lys). This variant is not present in population databases (gnomAD no frequency). This variant has not been reported in the literature in individuals affected with NPHP4-related conditions. Algorithms developed to predict the effect of missense changes on protein structure and function (SIFT, PolyPhen-2, Align-GVGD) all suggest that this variant is likely to be tolerated. In summary, the available evidence is currently insufficient to determine the role of this variant in disease. Therefore, it has been classified as a Variant of Uncertain Significance.